The following is an entry in ClinVar:

NM_020812.4(DOCK6):c.1594A>G (p.Ile532Val)

Gene: DOCK6 (dedicator of cytokinesis 6; minus strand). Cytogenetic location: 19p13.2.
Variant type: single nucleotide variant.
Coding change: c.1594A>G on transcript NM_020812.4 (MANE Select); coding-DNA position 1594, A replaced by G.
Protein change: p.Ile532Val; replaces isoleucine 532 with valine.
Molecular consequence: missense variant.
Genome position (GRCh38, 1-based): chr19:11,242,094, T>C on the plus strand (A>G on the coding strand, the complement: DOCK6 is on the minus strand). VCF-style: chr19-11242094-T-C. GRCh37 (hg19) VCF-style: chr19-11352770-T-C.
Other names: c.1594A>G, p.Ile532Val (NM_001367830.1); short protein forms I532V.
Identifiers: ClinVar variation 3031481 (VCV003031481.2), dbSNP rs2513149074, ClinGen allele CA404107347.

ClinVar aggregate classification (germline): Uncertain significance (0 of 4 stars; one submission).

Conditions:
DOCK6-related disorder. Also called: DOCK6-related condition.

Submission:

PreventionGenetics, part of Exact Sciences
Classification: Uncertain significance for DOCK6-related condition. Last evaluated: 2023-10-30. Review status: no assertion criteria provided. Collection method: clinical testing. Allele origin: germline.
Comment: The DOCK6 c.1594A>G variant is predicted to result in the amino acid substitution p.Ile532Val. To our knowledge, this variant has not been reported in the literature or in a large population database, indicating this variant is rare. At this time, the clinical significance of this variant is uncertain due to the absence of conclusive functional and genetic evidence.